The following is an entry in ClinVar:

NM_016599.5(MYOZ2):c.561-139T>C

Gene: MYOZ2 (myozenin 2; plus strand). Cytogenetic location: 4q26.
Variant type: single nucleotide variant.
Coding change: c.561-139T>C on transcript NM_016599.5 (MANE Select); 139 bases into the intron before coding-DNA position 561, T replaced by C.
Molecular consequence: intron variant.
Genome position (GRCh38, 1-based): chr4:119,185,827, T>C. VCF-style: chr4-119185827-T-C. GRCh37 (hg19) VCF-style: chr4-120106982-T-C.
Identifiers: ClinVar variation 674345 (VCV000674345.1), dbSNP rs7661020, ClinGen allele CA104974194.

ClinVar aggregate classification (germline): Benign (1 of 4 stars; one submission).

Allele frequency attached by ClinVar (database versions not stated): gnomAD 0.27115 and 0.27375; TOPMed 0.27813; 1000 Genomes Project 30x 0.27998; 1000 Genomes Project 0.28694; gnomAD exomes 0.31351.
gnomAD v4.1: 221,321 of 726,368 alleles (30%); highest among the groups gnomAD compares: East Asian, 50%; 35,571 homozygotes.

Submission:

GeneDx
Classification: Benign. Last evaluated: 2018-06-15. Review status: criteria provided, single submitter. Criteria: GeneDx Variant Classification (06012015). Collection method: clinical testing. Allele origin: germline. Affected: yes.
Comment: This variant is considered likely benign or benign based on one or more of the following criteria: it is a conservative change, it occurs at a poorly conserved position in the protein, it is predicted to be benign by multiple in silico algorithms, and/or has population frequency not consistent with disease.